The following is an entry in ClinVar:

NM_014336.5(AIPL1):c.995C>T (p.Thr332Met)

Gene: AIPL1 (AIP like 1 HSP90 co-chaperone; minus strand). Cytogenetic location: 17p13.2.
Variant type: single nucleotide variant.
Coding change: c.995C>T on transcript NM_014336.5 (MANE Select); coding-DNA position 995, C replaced by T.
Protein change: p.Thr332Met; replaces threonine 332 with methionine.
Molecular consequence: missense variant. On other transcripts: 3 prime UTR variant (1).
Genome position (GRCh38, 1-based): chr17:6,425,620, G>A on the plus strand (C>T on the coding strand, the complement: AIPL1 is on the minus strand). VCF-style: chr17-6425620-G-A. GRCh37 (hg19) VCF-style: chr17-6328940-G-A.
Other names: c.806C>T, p.Thr269Met (NM_001033054.3); c.815C>T, p.Thr272Met (NM_001033055.3); c.959C>T, p.Thr320Met (NM_001285399.3); c.929C>T, p.Thr310Met (NM_001285400.3); c.923C>T, p.Thr308Met (NM_001285401.3); c.878C>T, p.Thr293Met (NM_001285402.2); c.*966C>T (NM_001285403.4); c.995C>T (NM_014336.3); short protein forms T269M, T272M, T293M, T308M, T310M, T320M, T332M.
Identifiers: ClinVar variation 1009468 (VCV001009468.7), dbSNP rs770159814, ClinGen allele CA287323767.

ClinVar aggregate classification (germline): Uncertain significance. Review status: criteria provided, multiple submitters, no conflicts (2 of 4 stars). 2 submissions from 2 submitters: Uncertain significance (2). Last evaluated 2023-04-04.

Conditions:
Inborn genetic diseases. Identifiers: MedGen C0950123, MeSH D030342.
Leber congenital amaurosis 4 (LCA4). Identifiers: MedGen C1858386, MONDO:0011458, OMIM 604393.

Allele frequency attached by ClinVar (database versions not stated): TOPMed below 0.00001; gnomAD 0.00001.

Submissions (2):

Ambry Genetics
Classification: Uncertain significance for Inborn genetic diseases. Last evaluated: 2023-04-04. Review status: criteria provided, single submitter. Criteria: Ambry Variant Classification Scheme 2023. Collection method: clinical testing. Allele origin: germline.

Labcorp Genetics (formerly Invitae), Labcorp
Classification: Uncertain significance for Leber congenital amaurosis 4. Last evaluated: 2022-03-10. Review status: criteria provided, single submitter. Criteria: Invitae Variant Classification Sherloc (09022015). Collection method: clinical testing. Allele origin: germline.
Comment: This sequence change replaces threonine, which is neutral and polar, with methionine, which is neutral and non-polar, at codon 332 of the AIPL1 protein (p.Thr332Met). This variant is not present in population databases (gnomAD no frequency). This variant has not been reported in the literature in individuals affected with AIPL1-related conditions. ClinVar contains an entry for this variant (Variation ID: 1009468). Algorithms developed to predict the effect of missense changes on protein structure and function (SIFT, PolyPhen-2, Align-GVGD) all suggest that this variant is likely to be tolerated. In summary, the available evidence is currently insufficient to determine the role of this variant in disease. Therefore, it has been classified as a Variant of Uncertain Significance.